The following is an entry in ClinVar:

ClinVar aggregate classification (germline): Pathogenic (1 of 4 stars; one submission).

Conditions:
Granulomatous disease, chronic, autosomal recessive, cytochrome b-positive, type 2. Also called: Chronic granulomatous disease due to deficiency of NCF-2; Chronic Granulomatous Disease, Autosomal Recessive, Cytochrome b-Positive, Type II; GRANULOMATOUS DISEASE, CHRONIC, AUTOSOMAL RECESSIVE, 2; GRANULOMATOUS DISEASE, CHRONIC, DUE TO NCF2 DEFICIENCY; CGD, AUTOSOMAL RECESSIVE CYTOCHROME b-POSITIVE, TYPE II. Identifiers: Orphanet 379, MedGen C1856245, MONDO:0009310, OMIM 233710.

Submission:

Labcorp Genetics (formerly Invitae), Labcorp
Classification: Pathogenic for Granulomatous disease, chronic, autosomal recessive, cytochrome b-positive, type 2. Last evaluated: 2025-10-21. Review status: criteria provided, single submitter. Criteria: Invitae Variant Classification Sherloc (09022015). Collection method: clinical testing. Allele origin: germline.
Comment: This sequence change creates a premature translational stop signal (p.Gln304*) in the NCF2 gene. It is expected to result in an absent or disrupted protein product. Loss-of-function variants in NCF2 are known to be pathogenic (PMID: 10498624, 20167518). This variant is not present in population databases (gnomAD no frequency). This variant has not been reported in the literature in individuals affected with NCF2-related conditions. ClinVar contains an entry for this variant (Variation ID: 1076527). Algorithms developed to predict the effect of sequence changes on RNA splicing suggest that this variant may disrupt the consensus splice site. For these reasons, this variant has been classified as Pathogenic.

Literature cited by the submitters: PubMed 10498624; PubMed 20167518.

NM_000433.4(NCF2):c.910C>T (p.Gln304Ter)

Gene: NCF2 (neutrophil cytosolic factor 2; minus strand). Cytogenetic location: 1q25.3.
Variant type: single nucleotide variant.
Coding change: c.910C>T on transcript NM_000433.4 (MANE Select); coding-DNA position 910, C replaced by T.
Protein change: p.Gln304Ter; replaces glutamine 304 with a stop codon.
Molecular consequence: nonsense.
Genome position (GRCh38, 1-based): chr1:183,566,934, G>A on the plus strand (C>T on the coding strand, the complement: NCF2 is on the minus strand). VCF-style: chr1-183566934-G-A. GRCh37 (hg19) VCF-style: chr1-183536069-G-A.
Other names: c.910C>T, p.Gln304Ter (NM_001127651.3); c.667C>T, p.Gln223Ter (NM_001190789.2); c.775C>T, p.Gln259Ter (NM_001190794.2); short protein forms Q223*, Q259*, Q304*.
Identifiers: ClinVar variation 1076527 (VCV001076527.10), dbSNP rs774932046, ClinGen allele CA343671469.